The following is an entry in ClinVar:

NM_173689.7(CRB2):c.3331C>T (p.His1111Tyr)

Gene: CRB2 (crumbs cell polarity complex component 2; plus strand). Cytogenetic location: 9q33.3.
Variant type: single nucleotide variant.
Coding change: c.3331C>T on transcript NM_173689.7 (MANE Select); coding-DNA position 3331, C replaced by T.
Protein change: p.His1111Tyr; replaces histidine 1111 with tyrosine.
Molecular consequence: missense variant. On other transcripts: non-coding transcript variant (1).
Genome position (GRCh38, 1-based): chr9:123,373,862, C>T. VCF-style: chr9-123373862-C-T. GRCh37 (hg19) VCF-style: chr9-126136141-C-T.
Other names: c.3331C>T (NM_173689.5); short protein forms H1111Y.
Identifiers: ClinVar variation 846282 (VCV000846282.7), dbSNP rs774472811, ClinGen allele CA5232420.
Genomic context (GRCh38, chr9:123,373,862, plus strand): 5'-TGCGAAGCCCACGTCGACCCCTGTCACTCCGCCCCCTGCGCCCGTGGCCGCTGTCACACG[C>T]ACCCCGACGGCCGCTTCGAGTGCCGCTGCCCGCCTGGCTTCGGGGGCCCGCGCTGCAGGT-3'
Protein context (NP_775960.4, residues 1101-1121): APCARGRCHT[His1111Tyr]PDGRFECRCP

ClinVar aggregate classification (germline): Uncertain significance. Review status: criteria provided, multiple submitters, no conflicts (2 of 4 stars). 2 submissions from 2 submitters: Uncertain significance (2). Last evaluated 2021-09-01.

Conditions:
Inborn genetic diseases. Identifiers: MedGen C0950123, MeSH D030342.

Allele frequency attached by ClinVar (database versions not stated): gnomAD 0.00003 and 0.00004; gnomAD exomes 0.00004 and 0.00010; TOPMed 0.00006; ExAC 0.00009.
gnomAD v4.1: 24 of 1,554,070 alleles (0.0015%); highest among the groups gnomAD compares: Admixed American, 0.043%; no homozygotes.

Submissions (2):

Labcorp Genetics (formerly Invitae), Labcorp
Classification: Uncertain significance. Last evaluated: 2021-09-01. Review status: criteria provided, single submitter. Criteria: Invitae Variant Classification Sherloc (09022015). Collection method: clinical testing. Allele origin: germline.
Comment: This sequence change replaces histidine with tyrosine at codon 1111 of the CRB2 protein (p.His1111Tyr). The histidine residue is weakly conserved and there is a moderate physicochemical difference between histidine and tyrosine. This variant is present in population databases (rs774472811, ExAC 0.1%). This variant has not been reported in the literature in individuals affected with CRB2-related conditions. Algorithms developed to predict the effect of missense changes on protein structure and function (SIFT, PolyPhen-2, Align-GVGD) all suggest that this variant is likely to be tolerated. Algorithms developed to predict the effect of sequence changes on RNA splicing suggest that this variant may create or strengthen a splice site. In summary, the available evidence is currently insufficient to determine the role of this variant in disease. Therefore, it has been classified as a Variant of Uncertain Significance.

Ambry Genetics
Classification: Uncertain significance for Inborn genetic diseases. Last evaluated: 2021-06-02. Review status: criteria provided, single submitter. Criteria: Ambry Variant Classification Scheme 2023. Collection method: clinical testing. Allele origin: germline.